The following is an entry in ClinVar:

ClinVar aggregate classification (germline): Likely benign (1 of 4 stars; one submission).

gnomAD v4.1: 97 of 399,224 alleles (0.024%); highest among the groups gnomAD compares: Non-Finnish European, 0.038%; no homozygotes.

Submission:

CeGaT Center for Human Genetics Tuebingen
Classification: Likely benign. Last evaluated: 2026-09-01. Review status: criteria provided, single submitter. Criteria: CeGaT Center For Human Genetics Tuebingen Variant Classification Criteria Version 2. Collection method: clinical testing. Allele origin: germline. Affected: yes. Observed: 2 variant alleles.
Comment: CIC: BS2

NM_001386298.1(CIC):c.2368G>A (p.Gly790Ser)

Gene: CIC (capicua transcriptional repressor; plus strand). Cytogenetic location: 19q13.2.
Variant type: single nucleotide variant.
Coding change: c.2368G>A on transcript NM_001386298.1 (MANE Select); coding-DNA position 2368, G replaced by A.
Protein change: p.Gly790Ser; replaces glycine 790 with serine.
Molecular consequence: missense variant.
Genome position (GRCh38, 1-based): chr19:42,274,151, G>A. VCF-style: chr19-42274151-G-A. GRCh37 (hg19) VCF-style: chr19-42778303-G-A.
Other names: c.2368G>A, p.Gly790Ser (NM_001304815.2, NM_001379480.1, NM_001379482.1 and 6 more transcripts); short protein forms G790S.
Identifiers: ClinVar variation 4873718 (VCV004873718.2).